The following is an entry in ClinVar:

ClinVar aggregate classification (germline): Likely benign. Review status: criteria provided, single submitter (1 of 4 stars). 2 submissions from 2 submitters: Likely benign (1). 1 of the submissions does not count toward it. Last evaluated 2024-11-22.

Conditions:
MYH9-related disorder. Identifiers: MedGen C1854520.

Allele frequency attached by ClinVar (database versions not stated): ExAC 0.00001; gnomAD 0.00001; gnomAD exomes 0.00001; TOPMed 0.00002.
gnomAD v4.1: 29 of 1,614,088 alleles (0.0018%); highest among the groups gnomAD compares: Non-Finnish European, 0.0024%; no homozygotes.

Submissions (2):

Labcorp Genetics (formerly Invitae), Labcorp
Classification: Likely benign. Last evaluated: 2024-11-22. Review status: criteria provided, single submitter. Criteria: Invitae Variant Classification Sherloc (09022015). Collection method: clinical testing. Allele origin: germline.

PreventionGenetics, part of Exact Sciences
Classification: Likely benign for MYH9-related condition. Last evaluated: 2019-09-19. Review status: no assertion criteria provided. Collection method: clinical testing. Allele origin: germline. Not counted in ClinVar's aggregate classification.
Comment: This variant is classified as likely benign based on ACMG/AMP sequence variant interpretation guidelines (Richards et al. 2015 PMID: 25741868, with internal and published modifications).

NM_002473.6(MYH9):c.5394G>A (p.Glu1798=)

Gene: MYH9 (myosin heavy chain 9; minus strand). Cytogenetic location: 22q12.3.
Variant type: single nucleotide variant.
Coding change: c.5394G>A on transcript NM_002473.6 (MANE Select); coding-DNA position 5394, G replaced by A.
Protein change: p.Glu1798=; no amino-acid change (glutamic acid 1798 retained).
Molecular consequence: synonymous variant.
Genome position (GRCh38, 1-based): chr22:36,285,210, C>T on the plus strand (G>A on the coding strand, the complement: MYH9 is on the minus strand). VCF-style: chr22-36285210-C-T. GRCh37 (hg19) VCF-style: chr22-36681256-C-T.
Other names: c.5394G>A (NM_002473.5).
Identifiers: ClinVar variation 1562686 (VCV001562686.10), dbSNP rs781579067, ClinGen allele CA10209069.